The following is an entry in ClinVar:

ClinVar aggregate classification (germline): Uncertain significance (1 of 4 stars; one submission).

Submission:

GeneDx
Classification: Uncertain significance. Last evaluated: 2024-12-21. Review status: criteria provided, single submitter. Criteria: GeneDx Variant Classification Process June 2021. Collection method: clinical testing. Allele origin: germline. Affected: yes.
Comment: Not observed at significant frequency in large population cohorts (gnomAD); In silico analysis indicates that this missense variant does not alter protein structure/function; Has not been previously published as pathogenic or benign to our knowledge

NM_017617.5(NOTCH1):c.4945A>C (p.Lys1649Gln)

Gene: NOTCH1 (notch receptor 1; minus strand). Cytogenetic location: 9q34.3.
Variant type: single nucleotide variant.
Coding change: c.4945A>C on transcript NM_017617.5 (MANE Select); coding-DNA position 4945, A replaced by C.
Protein change: p.Lys1649Gln; replaces lysine 1649 with glutamine.
Molecular consequence: missense variant.
Genome position (GRCh38, 1-based): chr9:136,504,746, T>G on the plus strand (A>C on the coding strand, the complement: NOTCH1 is on the minus strand). VCF-style: chr9-136504746-T-G. GRCh37 (hg19) VCF-style: chr9-139399198-T-G.
Other names: short protein forms K1649Q.
Identifiers: ClinVar variation 3906697 (VCV003906697.1).